The following is an entry in ClinVar:

ClinVar aggregate classification (germline): Uncertain significance. Review status: criteria provided, multiple submitters, no conflicts (2 of 4 stars). 2 submissions from 2 submitters: Uncertain significance (2). Last evaluated 2024-12-16.

Conditions:
Inborn genetic diseases. Identifiers: MedGen C0950123, MeSH D030342.

Submissions (2):

Ambry Genetics
Classification: Uncertain significance for Inborn genetic diseases. Last evaluated: 2024-12-16. Review status: criteria provided, single submitter. Criteria: Ambry Variant Classification Scheme 2023. Collection method: clinical testing. Allele origin: germline.

Labcorp Genetics (formerly Invitae), Labcorp
Classification: Uncertain significance. Last evaluated: 2024-11-16. Review status: criteria provided, single submitter. Criteria: Invitae Variant Classification Sherloc (09022015). Collection method: clinical testing. Allele origin: germline.
Comment: This sequence change replaces arginine, which is basic and polar, with histidine, which is basic and polar, at codon 471 of the COL9A2 protein (p.Arg471His). This variant is not present in population databases (gnomAD no frequency). This variant has not been reported in the literature in individuals affected with COL9A2-related conditions. ClinVar contains an entry for this variant (Variation ID: 1060483). An algorithm developed to predict the effect of missense changes on protein structure and function (PolyPhen-2) suggests that this variant is likely to be tolerated. In summary, the available evidence is currently insufficient to determine the role of this variant in disease. Therefore, it has been classified as a Variant of Uncertain Significance.

NM_001852.4(COL9A2):c.1412G>A (p.Arg471His)

Gene: COL9A2 (collagen type IX alpha 2 chain; minus strand). Cytogenetic location: 1p34.2.
Variant type: single nucleotide variant.
Coding change: c.1412G>A on transcript NM_001852.4 (MANE Select); coding-DNA position 1412, G replaced by A.
Protein change: p.Arg471His; replaces arginine 471 with histidine.
Molecular consequence: missense variant.
Genome position (GRCh38, 1-based): chr1:40,303,666, C>T on the plus strand (G>A on the coding strand, the complement: COL9A2 is on the minus strand). VCF-style: chr1-40303666-C-T. GRCh37 (hg19) VCF-style: chr1-40769338-C-T.
Other names: c.1412G>A (NM_001852.3); short protein forms R471H.
Identifiers: ClinVar variation 1060483 (VCV001060483.10), dbSNP rs1320517018, ClinGen allele CA339878890.
Genomic context (GRCh38, chr1:40,303,666, plus strand): 5'-TAGCCCTGAACCCCTGGGGCGCCCGCATCCCCGCTGGGGCCAGGGTAGCCGGGTTCTCCA[C>T]GTACTCCTTGCTGCGGGGGGATGGGGGTGGGAGCAGAGCCGGGTGAGAAGGCGCCCGGGT-3'
Protein context (NP_001843.1, residues 461-481): EPGPKGQQGV[Arg471His]GEPGYPGPSG